The following is an entry in ClinVar:

NM_000540.3(RYR1):c.13246G>A (p.Ala4416Thr)

Gene: RYR1 (ryanodine receptor 1; plus strand). Cytogenetic location: 19q13.2.
Variant type: single nucleotide variant.
Coding change: c.13246G>A on transcript NM_000540.3 (MANE Select); coding-DNA position 13246, G replaced by A.
Protein change: p.Ala4416Thr; replaces alanine 4416 with threonine.
Molecular consequence: missense variant.
Genome position (GRCh38, 1-based): chr19:38,565,580, G>A. VCF-style: chr19-38565580-G-A. GRCh37 (hg19) VCF-style: chr19-39056220-G-A.
Other names: c.13231G>A, p.Ala4411Thr (NM_001042723.2); short protein forms A4411T, A4416T.
Identifiers: ClinVar variation 4812134 (VCV004812134.2).

ClinVar aggregate classification (germline): Uncertain significance. Review status: criteria provided, multiple submitters, no conflicts (2 of 4 stars). 2 submissions from 2 submitters: Uncertain significance (2). Last evaluated 2026-09-01.

Conditions:
Inborn genetic diseases. Identifiers: MedGen C0950123, MeSH D030342.
RYR1-related disorder. Also called: RYR1-related disorders; RYR1-related condition. Identifiers: MedGen CN239331.

gnomAD v4.1: 3 of 1,468,908 alleles (0.0002%); highest among the groups gnomAD compares: Non-Finnish European, 0.00027%; no homozygotes.

Submissions (2):

Ambry Genetics
Classification: Uncertain significance for Inborn genetic diseases. Last evaluated: 2026-09-01. Review status: criteria provided, single submitter. Criteria: Ambry Variant Classification Scheme 2023. Collection method: clinical testing. Allele origin: germline.

Labcorp Genetics (formerly Invitae), Labcorp
Classification: Uncertain significance for RYR1-related disorder. Last evaluated: 2025-07-02. Review status: criteria provided, single submitter. Criteria: Invitae Variant Classification Sherloc (09022015). Collection method: clinical testing. Allele origin: germline.
Comment: This sequence change replaces alanine, which is neutral and non-polar, with threonine, which is neutral and polar, at codon 4416 of the RYR1 protein (p.Ala4416Thr). This variant is not present in population databases (gnomAD no frequency). This variant has not been reported in the literature in individuals affected with RYR1-related conditions. Invitae Evidence Modeling of protein sequence and biophysical properties (such as structural, functional, and spatial information, amino acid conservation, physicochemical variation, residue mobility, and thermodynamic stability) indicates that this missense variant is not expected to disrupt RYR1 protein function with a negative predictive value of 80%. In summary, the available evidence is currently insufficient to determine the role of this variant in disease. Therefore, it has been classified as a Variant of Uncertain Significance.